The following is an entry in ClinVar:

ClinVar aggregate classification (germline): Likely benign (1 of 4 stars; one submission).

Conditions:
Wilson disease (WND). Also called: Wilson's disease. Identifiers: Orphanet 905, MedGen C0019202, MONDO:0010200, OMIM 277900. Disease mechanism: loss of function.

Allele frequency attached by ClinVar (database versions not stated): gnomAD exomes below 0.00001.
gnomAD v4.1: 2 of 1,614,230 alleles (0.00012%); highest among the groups gnomAD compares: Non-Finnish European, 0.00017%; no homozygotes.

Submission:

All of Us Research Program, National Institutes of Health
Classification: Likely benign for Wilson disease. Last evaluated: 2023-05-30. Review status: criteria provided, single submitter. Criteria: ACMG Guidelines, 2015. Collection method: clinical testing. Allele origin: germline. Inheritance: Autosomal recessive inheritance. Observed: 1 variant allele, 1 heterozygote.
Comment: This study involves interpretation of variants in research participants for the purpose of population health screening. Participant phenotype was not available at the time of variant classification. Additional details can be found in publication PMID: 35346344, PMCID: PMC8962531

NM_000053.4(ATP7B):c.3612G>A (p.Leu1204=)

Gene: ATP7B (ATPase copper transporting beta; minus strand). Cytogenetic location: 13q14.3.
Variant type: single nucleotide variant.
Coding change: c.3612G>A on transcript NM_000053.4 (MANE Select); coding-DNA position 3612, G replaced by A.
Protein change: p.Leu1204=; no amino-acid change (leucine 1204 retained).
Molecular consequence: synonymous variant.
Genome position (GRCh38, 1-based): chr13:51,939,138, C>T on the plus strand (G>A on the coding strand, the complement: ATP7B is on the minus strand). VCF-style: chr13-51939138-C-T. GRCh37 (hg19) VCF-style: chr13-52513274-C-T.
Other names: c.2991G>A, p.Leu997= (NM_001005918.3); c.3279G>A, p.Leu1093= (NM_001243182.2); c.3378G>A, p.Leu1126= (NM_001330578.2, NM_001406527.1, NM_001406528.1); c.3360G>A, p.Leu1120= (NM_001330579.2, NM_001406531.1, NM_001406532.1); c.3612G>A, p.Leu1204= (NM_001406511.1, NM_001406512.1, NM_001406526.1); c.3606G>A, p.Leu1202= (NM_001406513.1); c.3579G>A, p.Leu1193= (NM_001406514.1); c.3558G>A, p.Leu1186= (NM_001406515.1, NM_001406516.1); and 20 more.
Identifiers: ClinVar variation 3075588 (VCV003075588.1), dbSNP rs1025162388, ClinGen allele CA250075167.